The following is an entry in ClinVar:

ClinVar aggregate classification (germline): Likely pathogenic (1 of 4 stars; one submission).

Conditions:
Gray platelet syndrome (GPS). Also called: BLEEDING DISORDER, PLATELET-TYPE, 4. Identifiers: Orphanet 721, MedGen C0272302, MONDO:0007686, OMIM 139090.

Submission:

Juno Genomics, Hangzhou Juno Genomics, Inc
Classification: Likely pathogenic for Gray platelet syndrome. Review status: criteria provided, single submitter. Criteria: ACMG Guidelines, 2015. Collection method: clinical testing. Allele origin: germline.
Comment: Null variant in a gene where loss of function (LOF) is a known mechanism of disease.;Absent from controls (or at extremely low frequency if recessive) in Genome Aggregation Database.

NM_015175.3(NBEAL2):c.6118dup (p.Leu2040fs)

Gene: NBEAL2 (neurobeachin like 2; plus strand). Cytogenetic location: 3p21.31.
Variant type: Duplication.
Coding change: c.6118dup on transcript NM_015175.3 (MANE Select); coding-DNA position 6118, one base duplicated (C; older notation c.6118dupC).
Protein change: p.Leu2040fs; shifts the reading frame from leucine 2040.
Molecular consequence: frameshift variant.
Genome position (GRCh38, 1-based): chr3:47,004,313, C duplicated; the last of 2 consecutive C bases (chr3:47,004,312-47,004,313); duplicating either gives the same sequence. VCF-style (leftmost placement, unchanged base first): chr3-47004311-T-TC. GRCh37 (hg19) VCF-style: chr3-47045801-T-TC.
Other names: c.6016dup, p.Leu2006fs (NM_001365116.2); short protein forms L2006fs, L2040fs.
Identifiers: ClinVar variation 5006626 (VCV005006626.2).
Genomic context (GRCh38, chr3:47,004,311, plus strand): 5'-GACCCCAGCCTGGCCCCATCCCACCCCATACCCAGGTACGGAACCAGGTGTACTCGTGGC[T>TC]CCTGCGCCTACGGCCCCCCTCTCAAGGCTACCTAAGCAGCCGCTCCCCCCAGGAGATGCT-3'